The following is an entry in ClinVar:

ClinVar aggregate classification (germline): Pathogenic. Review status: reviewed by expert panel (3 of 4 stars). 6 submissions from 6 submitters: Pathogenic (1). 5 of the submissions do not count toward it. Last evaluated 2016-09-08.

Conditions:
Hereditary breast ovarian cancer syndrome. Also called: Hereditary breast and ovarian cancer syndrome; Hereditary breast and ovarian cancer; Hereditary breast and ovarian cancer syndrome (HBOC); Breast and ovarian cancer; Hereditary breast and/or ovarian cancer syndrome; BRCA1- and BRCA2-Associated Hereditary Breast and Ovarian Cancer. Identifiers: Orphanet 145, MedGen C0677776, MeSH D061325, MONDO:0003582. Disease mechanism: loss of function.
Hereditary cancer-predisposing syndrome. Also called: Neoplastic Syndromes, Hereditary; Tumor predisposition; Hereditary neoplastic syndrome; Hereditary Cancer Syndrome. Identifiers: Orphanet 140162, MedGen C0027672, MeSH D009386, MONDO:0015356.
Breast-ovarian cancer, familial, susceptibility to, 2 (BROVCA2). Also called: BRCA2 Hereditary Breast and Ovarian Cancer. Identifiers: Orphanet 145, MedGen C2675520, MONDO:0012933, OMIM 612555. Disease mechanism: loss of function.

Submissions (6):

Evidence-based Network for the Interpretation of Germline Mutant Alleles (ENIGMA)
Classification: Pathogenic for Breast-ovarian cancer, familial, susceptibility to, 2. Last evaluated: 2016-09-08. Review status: reviewed by expert panel. Criteria: ENIGMA BRCA1/2 Classification Criteria (2015). Collection method: curation. Allele origin: germline.
Comment: Variant allele predicted to encode a truncated non-functional protein.

Ambry Genetics
Classification: Pathogenic for Hereditary cancer-predisposing syndrome. Last evaluated: 2025-06-20. Review status: criteria provided, single submitter. Criteria: Ambry Variant Classification Scheme 2023. Collection method: clinical testing. Allele origin: germline. Not counted in ClinVar's aggregate classification.
Comment: The c.4780delA pathogenic mutation, located in coding exon 10 of the BRCA2 gene, results from a deletion of one nucleotide at nucleotide position 4780, causing a translational frameshift with a predicted alternate stop codon (p.M1594Cfs*23). This alteration was identified in a large, worldwide study of BRCA1/2 mutation positive families (Rebbeck TR et al. Hum Mutat, 2018 05;39:593-620). This alteration is expected to result in loss of function by premature protein truncation or nonsense-mediated mRNA decay. As such, this alteration is interpreted as a disease-causing mutation.

Department of Clinical Genetics, Copenhagen University Hospital, Rigshospitalet
Classification: Pathogenic for Breast-ovarian cancer, familial, susceptibility to, 2. Last evaluated: 2024-05-27. Review status: criteria provided, single submitter. Criteria: ACMG Guidelines, 2015. Collection method: clinical testing. Allele origin: germline. Affected: yes. Not counted in ClinVar's aggregate classification.
Comment: PVS1; PM2_supporting; PM5_PTC_Strong

Labcorp Genetics (formerly Invitae), Labcorp
Classification: Pathogenic for Hereditary breast ovarian cancer syndrome. Last evaluated: 2022-07-19. Review status: criteria provided, single submitter. Criteria: Invitae Variant Classification Sherloc (09022015). Collection method: clinical testing. Allele origin: germline. Not counted in ClinVar's aggregate classification.
Comment: For these reasons, this variant has been classified as Pathogenic. ClinVar contains an entry for this variant (Variation ID: 51714). This variant is also known as 5008delA. This premature translational stop signal has been observed in individual(s) with BRCA2-related conditions (PMID: 21520333). This variant is not present in population databases (gnomAD no frequency). This sequence change creates a premature translational stop signal (p.Met1594Cysfs*23) in the BRCA2 gene. It is expected to result in an absent or disrupted protein product. Loss-of-function variants in BRCA2 are known to be pathogenic (PMID: 20104584).

Color Diagnostics, LLC DBA Color Health
Classification: Pathogenic for Hereditary cancer-predisposing syndrome. Last evaluated: 2019-12-02. Review status: criteria provided, single submitter. Criteria: ACMG Guidelines, 2015. Collection method: clinical testing. Allele origin: germline. Not counted in ClinVar's aggregate classification.
Comment: This variant deletes 1 nucleotide in exon 11 of the BRCA2 gene, creating a frameshift and premature translation stop signal. This variant is expected to result in an absent or non-functional protein product. Splice site prediction tools suggest that this variant may not impact RNA splicing. To our knowledge, functional studies have not been performed for this variant. This variant has not been reported in individuals affected with hereditary cancer in the literature. This variant has not been identified in the general population by the Genome Aggregation Database (gnomAD). Loss of BRCA2 function is a known mechanism of disease. Based on the available evidence, this variant is classified as Pathogenic.

Consortium of Investigators of Modifiers of BRCA1/2 (CIMBA), c/o University of Cambridge
Classification: Pathogenic for Breast-ovarian cancer, familial, susceptibility to, 2. Last evaluated: 2015-10-02. Review status: criteria provided, single submitter. Criteria: CIMBA Mutation Classification guidelines May 2016. Collection method: clinical testing. Allele origin: germline. Not counted in ClinVar's aggregate classification.

Literature cited by the submitters: PubMed 29446198 (cited by Ambry Genetics); PubMed 21520333 (cited by Labcorp Genetics (formerly Invitae), Labcorp); PubMed 20104584 (cited by Labcorp Genetics (formerly Invitae), Labcorp).

NM_000059.4(BRCA2):c.4780del (p.Met1594fs)

Gene: BRCA2 (BRCA2 DNA repair associated; plus strand). Cytogenetic location: 13q13.1.
Variant type: Deletion.
Coding change: c.4780del on transcript NM_000059.4 (MANE Select); coding-DNA position 4780, one base deleted (A; older notation c.4780delA).
Protein change: p.Met1594fs; shifts the reading frame from methionine 1594.
Molecular consequence: frameshift variant.
Genome position (GRCh38, 1-based): chr13:32,339,135, A deleted; the last of 3 consecutive A bases (chr13:32,339,133-32,339,135); deleting any one gives the same sequence. VCF-style (leftmost placement, unchanged base first): chr13-32339132-GA-G. GRCh37 (hg19) VCF-style: chr13-32913269-GA-G.
Other names: c.4780delA (NM_000059.3).
Identifiers: ClinVar variation 51714 (VCV000051714.23), dbSNP rs397507742, ClinGen allele CA020827.